The following is an entry in ClinVar:

ClinVar aggregate classification (germline): Uncertain significance (1 of 4 stars; one submission).

Allele frequency attached by ClinVar (database versions not stated): ExAC 0.00002; gnomAD 0.00003; TOPMed 0.00003; gnomAD exomes 0.00006; ESP Exome Variant Server 0.00008; 1000 Genomes Project 30x 0.00016; 1000 Genomes Project 0.00020.
gnomAD v4.1: 89 of 1,609,244 alleles (0.0055%); highest among the groups gnomAD compares: Non-Finnish European, 0.0072%; no homozygotes.

Submission:

Labcorp Genetics (formerly Invitae), Labcorp
Classification: Uncertain significance. Last evaluated: 2022-06-21. Review status: criteria provided, single submitter. Criteria: Invitae Variant Classification Sherloc (09022015). Collection method: clinical testing. Allele origin: germline.
Comment: This sequence change replaces alanine, which is neutral and non-polar, with valine, which is neutral and non-polar, at codon 1638 of the LAMA1 protein (p.Ala1638Val). This variant is present in population databases (rs145048578, gnomAD 0.007%). This variant has not been reported in the literature in individuals affected with LAMA1-related conditions. Algorithms developed to predict the effect of missense changes on protein structure and function (SIFT, PolyPhen-2, Align-GVGD) all suggest that this variant is likely to be tolerated. In summary, the available evidence is currently insufficient to determine the role of this variant in disease. Therefore, it has been classified as a Variant of Uncertain Significance.

NM_005559.4(LAMA1):c.4913C>T (p.Ala1638Val)

Gene: LAMA1 (laminin subunit alpha 1; minus strand). Cytogenetic location: 18p11.31.
Variant type: single nucleotide variant.
Coding change: c.4913C>T on transcript NM_005559.4 (MANE Select); coding-DNA position 4913, C replaced by T.
Protein change: p.Ala1638Val; replaces alanine 1638 with valine.
Molecular consequence: missense variant.
Genome position (GRCh38, 1-based): chr18:6,993,736, G>A on the plus strand (C>T on the coding strand, the complement: LAMA1 is on the minus strand). VCF-style: chr18-6993736-G-A. GRCh37 (hg19) VCF-style: chr18-6993735-G-A.
Other names: short protein forms A1638V.
Identifiers: ClinVar variation 1903647 (VCV001903647.5), dbSNP rs145048578, ClinGen allele CA8881744.